The following is an entry in ClinVar:

ClinVar aggregate classification (germline): Uncertain significance (1 of 4 stars; one submission).

Conditions:
Intellectual developmental disorder, X-linked 1. Also called: Atkin Flaitz Patil Smith syndrome; MENTAL RETARDATION, X-LINKED 18; MENTAL RETARDATION, X-LINKED 78; Intellectual disability, X-linked 1. Identifiers: Orphanet 777, MedGen C2931498, MONDO:0010656, OMIM 309530.

Submission:

Labcorp Genetics (formerly Invitae), Labcorp
Classification: Uncertain significance for Intellectual developmental disorder, X-linked 1. Last evaluated: 2025-12-23. Review status: criteria provided, single submitter. Criteria: Invitae Variant Classification Sherloc (09022015). Collection method: clinical testing. Allele origin: germline.
Comment: This sequence change replaces glycine, which is neutral and non-polar, with arginine, which is basic and polar, at codon 216 of the IQSEC2 protein (p.Gly216Arg). This variant is not present in population databases (gnomAD no frequency). This variant has not been reported in the literature in individuals affected with IQSEC2-related conditions. Invitae Evidence Modeling of protein sequence and biophysical properties (such as structural, functional, and spatial information, amino acid conservation, physicochemical variation, residue mobility, and thermodynamic stability) indicates that this missense variant is not expected to disrupt IQSEC2 protein function with a negative predictive value of 95%. In summary, the available evidence is currently insufficient to determine the role of this variant in disease. Therefore, it has been classified as a Variant of Uncertain Significance.

NM_001111125.3(IQSEC2):c.646G>C (p.Gly216Arg)

Gene: IQSEC2 (IQ motif and Sec7 domain ArfGEF 2; minus strand). Cytogenetic location: Xp11.22.
Variant type: single nucleotide variant.
Coding change: c.646G>C on transcript NM_001111125.3 (MANE Select); coding-DNA position 646, G replaced by C.
Protein change: p.Gly216Arg; replaces glycine 216 with arginine.
Molecular consequence: missense variant.
Genome position (GRCh38, 1-based): chrX:53,320,478, C>G on the plus strand (G>C on the coding strand, the complement: IQSEC2 is on the minus strand). VCF-style: chrX-53320478-C-G. GRCh37 (hg19) VCF-style: chrX-53349676-C-G.
Other names: c.646G>C, p.Gly216Arg (NM_001410736.1, NM_001441092.1); short protein forms G216R.
Identifiers: ClinVar variation 4766882 (VCV004766882.1).